The following is an entry in ClinVar:

ClinVar aggregate classification (germline): Likely pathogenic (1 of 4 stars; one submission).

Conditions:
Ataxia-telangiectasia syndrome (AT). Also called: Cerebello-oculocutaneous telangiectasia; Immunodeficiency with ataxia telangiectasia; Ataxia-telangiectasia; AT, COMPLEMENTATION GROUP C; Ataxia telangiectasia (A-T); LOUIS-BAR SYNDROME. Identifiers: Orphanet 100, MedGen C0004135, MONDO:0008840, OMIM 208900.

Submission:

Labcorp Genetics (formerly Invitae), Labcorp
Classification: Likely pathogenic for Ataxia-telangiectasia syndrome. Last evaluated: 2022-10-12. Review status: criteria provided, single submitter. Criteria: Invitae Variant Classification Sherloc (09022015). Collection method: clinical testing. Allele origin: germline.
Comment: In summary, the currently available evidence indicates that the variant is pathogenic, but additional data are needed to prove that conclusively. Therefore, this variant has been classified as Likely Pathogenic. This variant has not been reported in the literature in individuals affected with ATM-related conditions. This variant results in a copy number gain of the genomic region encompassing exon(s) 5-9 of the ATM gene. While the exact position of this variant cannot be determined from the data, sub-genic copy number gains are generally in tandem (PMID: 25640679). This variant is predicted to be out-of-frame, and may result in an absent or disrupted protein product. Loss-of-function variants in ATM are known to be pathogenic (PMID: 23807571, 25614872).

Literature cited by the submitters: PubMed 25640679; PubMed 23807571; PubMed 25614872.

NC_000011.9:g.(?_108106387)_(108119839_?)dup

Gene: ATM (ATM serine/threonine kinase; plus strand). Cytogenetic location: 11q22.3.
Variant type: Duplication.
Identifiers: ClinVar variation 2422225 (VCV002422225.4).